The following is an entry in ClinVar:

NM_000557.5(GDF5):c.487C>T (p.Arg163Cys)

Gene: GDF5 (growth differentiation factor 5; minus strand). Cytogenetic location: 20q11.22.
Variant type: single nucleotide variant.
Coding change: c.487C>T on transcript NM_000557.5 (MANE Select); coding-DNA position 487, C replaced by T.
Protein change: p.Arg163Cys; replaces arginine 163 with cysteine.
Molecular consequence: missense variant.
Genome position (GRCh38, 1-based): chr20:35,437,442, G>A on the plus strand (C>T on the coding strand, the complement: GDF5 is on the minus strand). VCF-style: chr20-35437442-G-A. GRCh37 (hg19) VCF-style: chr20-34025222-G-A.
Other names: c.487C>T, p.Arg163Cys (NM_001319138.2); short protein forms R163C.
Identifiers: ClinVar variation 1945844 (VCV001945844.2), dbSNP rs34534075, ClinGen allele CA314131761.

ClinVar aggregate classification (germline): Uncertain significance (1 of 4 stars; one submission).

Allele frequency attached by ClinVar (database versions not stated): gnomAD exomes 0.00001; TOPMed 0.00001; ESP Exome Variant Server 0.00015.

Submission:

Labcorp Genetics (formerly Invitae), Labcorp
Classification: Uncertain significance. Last evaluated: 2022-10-17. Review status: criteria provided, single submitter. Criteria: Invitae Variant Classification Sherloc (09022015). Collection method: clinical testing. Allele origin: germline.
Comment: This sequence change replaces arginine, which is basic and polar, with cysteine, which is neutral and slightly polar, at codon 163 of the GDF5 protein (p.Arg163Cys). The frequency data for this variant in the population databases is considered unreliable, as metrics indicate poor data quality at this position in the gnomAD database. This variant has not been reported in the literature in individuals affected with GDF5-related conditions. Advanced modeling of protein sequence and biophysical properties (such as structural, functional, and spatial information, amino acid conservation, physicochemical variation, residue mobility, and thermodynamic stability) performed at Invitae indicates that this missense variant is not expected to disrupt GDF5 protein function. In summary, the available evidence is currently insufficient to determine the role of this variant in disease. Therefore, it has been classified as a Variant of Uncertain Significance.